The following is an entry in ClinVar:

NM_000038.6(APC):c.1044A>T (p.Arg348=)

Gene: APC (APC regulator of Wnt signaling pathway; plus strand). Cytogenetic location: 5q22.2.
Variant type: single nucleotide variant.
Coding change: c.1044A>T on transcript NM_000038.6 (MANE Select); coding-DNA position 1044, A replaced by T.
Protein change: p.Arg348=; no amino-acid change (arginine 348 retained).
Molecular consequence: synonymous variant. On other transcripts: non-coding transcript variant (2), intron variant (15).
Genome position (GRCh38, 1-based): chr5:112,819,076, A>T. VCF-style: chr5-112819076-A-T. GRCh37 (hg19) VCF-style: chr5-112154773-A-T.
Other names: c.1044A>T, p.Arg348= (NM_001127510.3, NM_001354895.2, NM_001354896.2 and 4 more transcripts); c.990A>T, p.Arg330= (NM_001127511.3); c.1074A>T, p.Arg358= (NM_001354897.2, NM_001407446.1); c.969A>T, p.Arg323= (NM_001354898.2, NM_001407451.1); c.960A>T, p.Arg320= (NM_001354899.2, NM_001407452.1); c.867A>T, p.Arg289= (NM_001354900.2, NM_001354901.2, NM_001407453.1); c.195A>T, p.Arg65= (NM_001354906.2, NM_001407470.1); c.85-193A>T (NM_001407472.1, NM_001407471.1); and 5 more.
Identifiers: ClinVar variation 3148312 (VCV003148312.1), dbSNP rs772902822, ClinGen allele CA445755802.
Genomic context (GRCh38, chr5:112,819,076, plus strand): 5'-TGATATGTCGCGAACTTTGCTAGCTATGTCTAGCTCCCAAGACAGCTGTATATCCATGCG[A>T]CAGTCTGGATGTCTTCCTCTCCTCATCCAGCTTTTACATGGCAATGACAAAGACTCTGTA-3'
Protein context (NP_000029.2, residues 338-358): SSSQDSCISM[Arg348=]QSGCLPLLIQ

ClinVar aggregate classification (germline): Benign (1 of 4 stars; one submission).

Conditions:
Familial adenomatous polyposis 1 (FAP1). Also called: POLYPOSIS, ADENOMATOUS INTESTINAL; FAMILIAL ADENOMATOUS POLYPOSIS 1, ATTENUATED. Identifiers: MedGen C2713442, MONDO:0021056, OMIM 175100. Disease mechanism: loss of function.

gnomAD v4.1: 1 of 1,614,118 alleles (0.000062%); highest among the groups gnomAD compares: Non-Finnish European, 0.000085%; no homozygotes.

Submission:

Myriad Genetics, Inc.
Classification: Benign for Familial adenomatous polyposis 1. Last evaluated: 2024-02-29. Review status: criteria provided, single submitter. Criteria: Myriad Autosomal Dominant, Autosomal Recessive and X-Linked Classification Criteria (2023). Collection method: clinical testing. Allele origin: unknown.
Comment: This variant is considered benign. This variant is a silent/synonymous amino acid change and it is not expected to impact splicing.